The following is an entry in ClinVar:

NM_001114753.3(ENG):c.22_23del (p.Leu8fs)

Gene: ENG (endoglin; minus strand). Cytogenetic location: 9q34.11.
Variant type: Microsatellite.
Coding change: c.22_23del on transcript NM_001114753.3 (MANE Select); coding-DNA positions 22 to 23, 2 bases deleted (CT; older notation c.22_23delCT).
Protein change: p.Leu8fs; shifts the reading frame from leucine 8.
Molecular consequence: frameshift variant.
Genome position (GRCh38, 1-based): chr9:127,854,333-127,854,334, AG deleted on the plus strand (CT on the coding strand, the reverse complement: ENG is on the minus strand); deleting any 2 consecutive bases within chr9:127,854,333-127,854,336 gives the same sequence; the c. name uses the placement nearest the transcript's 3' end. VCF-style (leftmost placement, unchanged base first): chr9-127854332-CAG-C. GRCh37 (hg19) VCF-style: chr9-130616611-CAG-C.
Other names: c.22_23del, p.Leu8fs (NM_000118.4, NM_001406715.1); short protein forms L8fs.
Identifiers: ClinVar variation 3682777 (VCV003682777.2).

ClinVar aggregate classification (germline): Pathogenic (1 of 4 stars; one submission).

Conditions:
Hereditary hemorrhagic telangiectasia (HHT). Also called: ORW DISEASE; Osler Weber Rendu syndrome; OSLER-RENDU-WEBER DISEASE; Osler hemorrhagic telangiectasia syndrome. Identifiers: Orphanet 774, MedGen C0039445, MONDO:0019180. Disease mechanism: loss of function.

Submission:

Labcorp Genetics (formerly Invitae), Labcorp
Classification: Pathogenic for Hereditary hemorrhagic telangiectasia. Last evaluated: 2024-10-12. Review status: criteria provided, single submitter. Criteria: Invitae Variant Classification Sherloc (09022015). Collection method: clinical testing. Allele origin: germline.
Comment: This sequence change creates a premature translational stop signal (p.Leu8Glyfs*23) in the ENG gene. It is expected to result in an absent or disrupted protein product. Loss-of-function variants in ENG are known to be pathogenic (PMID: 15879500). This variant is not present in population databases (gnomAD no frequency). This variant has not been reported in the literature in individuals affected with ENG-related conditions. For these reasons, this variant has been classified as Pathogenic.

Literature cited by the submitters: PubMed 15879500.